The following is an entry in ClinVar:

NM_144991.3(TSPEAR):c.1502C>T (p.Thr501Ile)

Gene: TSPEAR (thrombospondin type laminin G domain and EAR repeats; minus strand). Cytogenetic location: 21q22.3.
Variant type: single nucleotide variant.
Coding change: c.1502C>T on transcript NM_144991.3 (MANE Select); coding-DNA position 1502, C replaced by T.
Protein change: p.Thr501Ile; replaces threonine 501 with isoleucine.
Molecular consequence: missense variant.
Genome position (GRCh38, 1-based): chr21:44,521,947, G>A on the plus strand (C>T on the coding strand, the complement: TSPEAR is on the minus strand). VCF-style: chr21-44521947-G-A. GRCh37 (hg19) VCF-style: chr21-45941830-G-A.
Other names: c.1298C>T, p.Thr433Ile (NM_001272037.2); short protein forms T433I, T501I.
Identifiers: ClinVar variation 1720801 (VCV001720801.6), dbSNP rs2052742847, ClinGen allele CA410436801.

ClinVar aggregate classification (germline): Uncertain significance (1 of 4 stars; one submission).

Allele frequency attached by ClinVar (database versions not stated): gnomAD 0.00001.
gnomAD v4.1: 2 of 1,614,028 alleles (0.00012%); highest among the groups gnomAD compares: Admixed American, 0.0017%; no homozygotes.

Submission:

Labcorp Genetics (formerly Invitae), Labcorp
Classification: Uncertain significance. Last evaluated: 2022-11-05. Review status: criteria provided, single submitter. Criteria: Invitae Variant Classification Sherloc (09022015). Collection method: clinical testing. Allele origin: germline.
Comment: In summary, the available evidence is currently insufficient to determine the role of this variant in disease. Therefore, it has been classified as a Variant of Uncertain Significance. Advanced modeling of protein sequence and biophysical properties (such as structural, functional, and spatial information, amino acid conservation, physicochemical variation, residue mobility, and thermodynamic stability) performed at Invitae indicates that this missense variant is expected to disrupt TSPEAR protein function. This missense change has been observed in individual(s) with clinical features of ectodermal dysplasia (Invitae). In at least one individual the data is consistent with being in trans (on the opposite chromosome) from a pathogenic variant. This variant is not present in population databases (gnomAD no frequency). This sequence change replaces threonine, which is neutral and polar, with isoleucine, which is neutral and non-polar, at codon 501 of the TSPEAR protein (p.Thr501Ile).